The following is an entry in ClinVar:

ClinVar aggregate classification (germline): Uncertain significance. Review status: criteria provided, multiple submitters, no conflicts (2 of 4 stars). 3 submissions from 3 submitters: Uncertain significance (3). Last evaluated 2026-06-25.

Conditions:
Cardiovascular phenotype. Identifiers: MedGen CN230736.
ALPK3-related disorder. Also called: ALPK3-related condition.

Allele frequency attached by ClinVar (database versions not stated): TOPMed 0.00004; gnomAD exomes 0.00012; 1000 Genomes Project 30x 0.00016.

Submissions (3):

PreventionGenetics, part of Exact Sciences
Classification: Uncertain significance for ALPK3-related condition. Last evaluated: 2026-06-25. Review status: criteria provided, single submitter. Criteria: ACMG Guidelines, 2015. Collection method: clinical testing. Allele origin: germline.
Comment: The ALPK3 c.403G>C variant is predicted to result in the amino acid substitution p.Val135Leu. To our knowledge, this variant has not been reported in the literature. This variant is reported in 0.14% of alleles in individuals of East Asian descent in gnomAD. Although we suspect that this variant may be benign, at this time, the clinical significance of this variant is uncertain due to the absence of conclusive functional and genetic evidence.

Labcorp Genetics (formerly Invitae), Labcorp
Classification: Uncertain significance. Last evaluated: 2025-08-26. Review status: criteria provided, single submitter. Criteria: Invitae Variant Classification Sherloc (09022015). Collection method: clinical testing. Allele origin: germline.
Comment: This sequence change replaces valine, which is neutral and non-polar, with leucine, which is neutral and non-polar, at codon 135 of the ALPK3 protein (p.Val135Leu). This variant is present in population databases (no rsID available, gnomAD 0.1%). This variant has not been reported in the literature in individuals affected with ALPK3-related conditions. ClinVar contains an entry for this variant (Variation ID: 1494200). An algorithm developed to predict the effect of missense changes on protein structure and function (PolyPhen-2) suggests that this variant is likely to be tolerated. In summary, the available evidence is currently insufficient to determine the role of this variant in disease. Therefore, it has been classified as a Variant of Uncertain Significance.

Ambry Genetics
Classification: Uncertain significance for Cardiovascular phenotype. Last evaluated: 2024-05-26. Review status: criteria provided, single submitter. Criteria: Ambry Variant Classification Scheme 2023. Collection method: clinical testing. Allele origin: germline.
Comment: The p.V135L variant (also known as c.403G>C), located in coding exon 1 of the ALPK3 gene, results from a G to C substitution at nucleotide position 403. The valine at codon 135 is replaced by leucine, an amino acid with highly similar properties. This amino acid position is conserved. In addition, this alteration is predicted to be tolerated by in silico analysis. Based on the available evidence, the clinical significance of this variant remains unclear.

NC_000015.10:g.84817249G>C

Gene: ALPK3 (alpha kinase 3; plus strand). Cytogenetic location: 15q25.3.
Variant type: single nucleotide variant.
Genome position: GRCh38 VCF-style: chr15-84817249-G-C. GRCh37 (hg19) VCF-style: chr15-85360480-G-C.
Other names: short protein forms V135L.
Identifiers: ClinVar variation 1494200 (VCV001494200.9), dbSNP rs1307711783, ClinGen allele CA393368836.